The following is an entry in ClinVar:

ClinVar aggregate classification (germline): Likely benign. Review status: criteria provided, multiple submitters, no conflicts (2 of 4 stars). 2 submissions from 2 submitters: Likely benign (2). Last evaluated 2025-02-16.

Allele frequency attached by ClinVar (database versions not stated): 1000 Genomes Project 0.00120; 1000 Genomes Project 30x 0.00203; TOPMed 0.00513; gnomAD 0.00550; gnomAD exomes 0.10000.
gnomAD v4.1: 826 of 152,304 alleles (0.54%); highest among the groups gnomAD compares: Non-Finnish European, 0.94%; 7 homozygotes.

Submissions (2):

Laboratory of Genetics, Children's Clinical University Hospital Latvia
Classification: Likely benign. Last evaluated: 2025-02-16. Review status: criteria provided, single submitter. Criteria: ACMG Guidelines, 2015. Collection method: clinical testing. Allele origin: germline. Affected: yes.

CeGaT Center for Human Genetics Tuebingen
Classification: Likely benign. Last evaluated: 2023-06-01. Review status: criteria provided, single submitter. Criteria: CeGaT Center For Human Genetics Tuebingen Variant Classification Criteria Version 2. Collection method: clinical testing. Allele origin: germline. Affected: yes. Observed: 16 variant alleles.
Comment: KCNMA1: BS2

NM_001161352.2(KCNMA1):c.379-89848G>A

Gene: KCNMA1 (potassium calcium-activated channel subfamily M alpha 1; minus strand). Cytogenetic location: 10q22.3.
Variant type: single nucleotide variant.
Coding change: c.379-89848G>A on transcript NM_001161352.2 (MANE Select); 89848 bases into the intron before coding-DNA position 379, G replaced by A.
Molecular consequence: intron variant.
Genome position (GRCh38, 1-based): chr10:77,493,871, C>T on the plus strand (G>A on the coding strand, the complement: KCNMA1 is on the minus strand). VCF-style: chr10-77493871-C-T. GRCh37 (hg19) VCF-style: chr10-79253629-C-T.
Other names: c.378+143394G>A (NM_001271518.2); c.379-89848G>A (NM_001322832.2, NM_001410940.1, NM_001322829.2 and 8 more transcripts).
Identifiers: ClinVar variation 2640618 (VCV002640618.25), dbSNP rs190756447, ClinGen allele CA210143698.